The following is an entry in ClinVar:

ClinVar aggregate classification (germline): Likely benign. Review status: criteria provided, multiple submitters, no conflicts (2 of 4 stars). 3 submissions from 3 submitters: Likely benign (3). Last evaluated 2026-09-02.

Conditions:
Inborn genetic diseases. Identifiers: MedGen C0950123, MeSH D030342.
Granulomatous disease, chronic, X-linked. Also called: CYTOCHROME b-NEGATIVE GRANULOMATOUS DISEASE, CHRONIC, X-LINKED; GRANULOMATOUS DISEASE, CHRONIC, X-LINKED, SOMATIC MOSAIC. Identifiers: Orphanet 379, MedGen C1844376, MONDO:0010600, OMIM 306400.

Allele frequency attached by ClinVar (database versions not stated): gnomAD exomes below 0.00001; gnomAD 0.00001.
gnomAD v4.1: 2 of 1,202,152 alleles (0.00017%); highest among the groups gnomAD compares: African/African-American, 0.0018%; no homozygotes.

Submissions (3):

Ambry Genetics
Classification: Likely benign for Inborn genetic diseases. Last evaluated: 2026-09-02. Review status: criteria provided, single submitter. Criteria: Ambry Variant Classification Scheme 2023. Collection method: clinical testing. Allele origin: germline.

CeGaT Center for Human Genetics Tuebingen
Classification: Likely benign. Last evaluated: 2024-12-01. Review status: criteria provided, single submitter. Criteria: CeGaT Center For Human Genetics Tuebingen Variant Classification Criteria Version 2. Collection method: clinical testing. Allele origin: germline. Affected: yes. Observed: 1 variant allele.
Comment: CYBB: BP4, BP7

Labcorp Genetics (formerly Invitae), Labcorp
Classification: Likely benign for Granulomatous disease, chronic, X-linked. Last evaluated: 2022-06-10. Review status: criteria provided, single submitter. Criteria: Invitae Variant Classification Sherloc (09022015). Collection method: clinical testing. Allele origin: germline.

NM_000397.4(CYBB):c.160A>C (p.Arg54=)

Gene: CYBB (cytochrome b-245 beta chain; plus strand). Cytogenetic location: Xp21.1.
Variant type: single nucleotide variant.
Coding change: c.160A>C on transcript NM_000397.4 (MANE Select); coding-DNA position 160, A replaced by C.
Protein change: p.Arg54=; no amino-acid change (arginine 54 retained).
Molecular consequence: synonymous variant.
Genome position (GRCh38, 1-based): chrX:37,783,508, A>C. VCF-style: chrX-37783508-A-C. GRCh37 (hg19) VCF-style: chrX-37642761-A-C.
Other names: c.160A>C (NM_000397.3).
Identifiers: ClinVar variation 1144066 (VCV001144066.23), dbSNP rs932660228, ClinGen allele CA328040540.